The following is an entry in ClinVar:

ClinVar aggregate classification (germline): Uncertain significance (1 of 4 stars; one submission).

Conditions:
Charcot-Marie-Tooth disease axonal type 2Z. Also called: CHARCOT-MARIE-TOOTH DISEASE, AXONAL, AUTOSOMAL DOMINANT, TYPE 2Z; CHARCOT-MARIE-TOOTH NEUROPATHY, TYPE 2Z. Identifiers: Orphanet 466768, MedGen C5569025, MONDO:0014736, OMIM 616688.

Submission:

Labcorp Genetics (formerly Invitae), Labcorp
Classification: Uncertain significance for Charcot-Marie-Tooth disease axonal type 2Z. Last evaluated: 2023-12-21. Review status: criteria provided, single submitter. Criteria: Invitae Variant Classification Sherloc (09022015). Collection method: clinical testing. Allele origin: germline.
Comment: This sequence change replaces threonine, which is neutral and polar, with isoleucine, which is neutral and non-polar, at codon 95 of the MORC2 protein (p.Thr95Ile). This variant is not present in population databases (gnomAD no frequency). This variant has not been reported in the literature in individuals affected with MORC2-related conditions. This missense change has been observed in at least one individual who was not affected with MORC2-related conditions (Invitae). Advanced modeling of protein sequence and biophysical properties (such as structural, functional, and spatial information, amino acid conservation, physicochemical variation, residue mobility, and thermodynamic stability) performed at Invitae indicates that this missense variant is expected to disrupt MORC2 protein function with a positive predictive value of 95%. In summary, the available evidence is currently insufficient to determine the role of this variant in disease. Therefore, it has been classified as a Variant of Uncertain Significance.

NM_001303256.3(MORC2):c.284C>T (p.Thr95Ile)

Gene: MORC2 (MORC family CW-type zinc finger 2; minus strand). Cytogenetic location: 22q12.2.
Variant type: single nucleotide variant.
Coding change: c.284C>T on transcript NM_001303256.3 (MANE Select); coding-DNA position 284, C replaced by T.
Protein change: p.Thr95Ile; replaces threonine 95 with isoleucine.
Molecular consequence: missense variant.
Genome position (GRCh38, 1-based): chr22:30,949,785, G>A on the plus strand (C>T on the coding strand, the complement: MORC2 is on the minus strand). VCF-style: chr22-30949785-G-A. GRCh37 (hg19) VCF-style: chr22-31345771-G-A.
Other names: c.284C>T, p.Thr95Ile (NM_001303257.2); c.98C>T, p.Thr33Ile (NM_014941.3); short protein forms T95I, T33I.
Identifiers: ClinVar variation 2790685 (VCV002790685.3), dbSNP rs2517621763, ClinGen allele CA411245082.
Genomic context (GRCh38, chr22:30,949,785, plus strand): 5'-CCTGTGACAAGCTTCTAATATACCTACGATTTTAACCCATTCCCGTACTGCCCAATCTGA[G>A]TAGACTCAGGTGTTCGCTTGGCCGACTTCCCAAACTGGATCACACTGGCAGCATCACCTG-3'
Protein context (NP_001290185.1, residues 85-105): GKSAKRTPES[Thr95Ile]QIGQYGNGLK